The following is an entry in ClinVar:

ClinVar aggregate classification (germline): Likely benign. Review status: criteria provided, multiple submitters, no conflicts (2 of 4 stars). 3 submissions from 3 submitters: Likely benign (3). Last evaluated 2024-04-04.

Allele frequency attached by ClinVar (database versions not stated): gnomAD exomes 0.00002; ExAC 0.00004; gnomAD 0.00004; TOPMed 0.00007; ESP Exome Variant Server 0.00008.
gnomAD v4.1: 24 of 1,531,296 alleles (0.0016%); highest among the groups gnomAD compares: African/African-American, 0.0055%; no homozygotes.

Submissions (3):

Blueprint Genetics
Classification: Likely benign. Last evaluated: 2024-04-04. Review status: criteria provided, single submitter. Criteria: ACMG Guidelines, 2015. Collection method: clinical testing. Allele origin: germline.

Labcorp Genetics (formerly Invitae), Labcorp
Classification: Likely benign. Last evaluated: 2023-11-05. Review status: criteria provided, single submitter. Criteria: Invitae Variant Classification Sherloc (09022015). Collection method: clinical testing. Allele origin: germline.

GeneDx
Classification: Likely benign. Last evaluated: 2016-02-11. Review status: criteria provided, single submitter. Criteria: GeneDx Variant Classification (06012015). Collection method: clinical testing. Allele origin: germline. Affected: yes.
Comment: This variant is considered likely benign or benign based on one or more of the following criteria: it is a conservative change, it occurs at a poorly conserved position in the protein, it is predicted to be benign by multiple in silico algorithms, and/or has population frequency not consistent with disease.

NM_133259.4(LRPPRC):c.1369+20C>T

Gene: LRPPRC (leucine rich pentatricopeptide repeat containing; minus strand). Cytogenetic location: 2p21.
Variant type: single nucleotide variant.
Coding change: c.1369+20C>T on transcript NM_133259.4 (MANE Select); 20 bases into the intron after coding-DNA position 1369, C replaced by T.
Molecular consequence: intron variant.
Genome position (GRCh38, 1-based): chr2:43,973,587, G>A on the plus strand (C>T on the coding strand, the complement: LRPPRC is on the minus strand). VCF-style: chr2-43973587-G-A. GRCh37 (hg19) VCF-style: chr2-44200726-G-A.
Identifiers: ClinVar variation 382481 (VCV000382481.6), dbSNP rs371260395, ClinGen allele CA1639005.